The following is an entry in ClinVar:

NM_025219.3(DNAJC5):c.322-5C>A

Gene: DNAJC5 (DnaJ heat shock protein family (Hsp40) member C5; plus strand). Cytogenetic location: 20q13.33.
Variant type: single nucleotide variant.
Coding change: c.322-5C>A on transcript NM_025219.3 (MANE Select); 5 bases into the intron before coding-DNA position 322, C replaced by A.
Molecular consequence: intron variant.
Genome position (GRCh38, 1-based): chr20:63,930,846, C>A. VCF-style: chr20-63930846-C-A. GRCh37 (hg19) VCF-style: chr20-62562199-C-A.
Identifiers: ClinVar variation 379586 (VCV000379586.9), dbSNP rs373568941, ClinGen allele CA9969723.

ClinVar aggregate classification (germline): Likely benign. Review status: criteria provided, multiple submitters, no conflicts (2 of 4 stars). 2 submissions from 2 submitters: Likely benign (2). Last evaluated 2024-08-30.

Conditions:
Neuronal ceroid lipofuscinosis. Also called: Neuronal Ceroid Lipofuscinoses. Identifiers: Orphanet 216, Orphanet 79263, MedGen C0027877, MONDO:0016295. Disease mechanism: loss of function.

Allele frequency attached by ClinVar (database versions not stated): gnomAD 0.00003.
gnomAD v4.1: 11 of 1,612,298 alleles (0.00068%); highest among the groups gnomAD compares: African/African-American, 0.0027%; no homozygotes.

Submissions (2):

Labcorp Genetics (formerly Invitae), Labcorp
Classification: Likely benign for Neuronal ceroid lipofuscinosis. Last evaluated: 2024-08-30. Review status: criteria provided, single submitter. Criteria: Invitae Variant Classification Sherloc (09022015). Collection method: clinical testing. Allele origin: germline.

GeneDx
Classification: Likely benign. Last evaluated: 2015-04-28. Review status: criteria provided, single submitter. Criteria: GeneDx Variant Classification (06012015). Collection method: clinical testing. Allele origin: germline. Affected: yes.
Comment: This variant is considered likely benign or benign based on one or more of the following criteria: it is a conservative change, it occurs at a poorly conserved position in the protein, it is predicted to be benign by multiple in silico algorithms, and/or has population frequency not consistent with disease.